The following is an entry in ClinVar:

ClinVar aggregate classification (germline): Uncertain significance (1 of 4 stars; one submission).

Conditions:
Cardiovascular phenotype. Identifiers: MedGen CN230736.

Submission:

Ambry Genetics
Classification: Uncertain significance for Cardiovascular phenotype. Last evaluated: 2024-10-14. Review status: criteria provided, single submitter. Criteria: Ambry Variant Classification Scheme 2023. Collection method: clinical testing. Allele origin: germline.
Comment: The p.S258R variant (also known as c.774C>G), located in coding exon 7 of the AKAP9 gene, results from a C to G substitution at nucleotide position 774. The serine at codon 258 is replaced by arginine, an amino acid with dissimilar properties. This amino acid position is conserved. In addition, this alteration is predicted to be tolerated by in silico analysis. Based on the available evidence, the clinical significance of this variant remains unclear.

NM_005751.5(AKAP9):c.774C>G (p.Ser258Arg)

Genes: AKAP9 (A-kinase anchoring protein 9; plus strand), LOC129998789 (ATAC-STARR-seq lymphoblastoid silent region 18366; plus strand). Cytogenetic location: 7q21.2.
Variant type: single nucleotide variant.
Coding change: c.774C>G on transcript NM_005751.5 (MANE Select); coding-DNA position 774, C replaced by G.
Protein change: p.Ser258Arg; replaces serine 258 with arginine.
Molecular consequence: missense variant.
Genome position (GRCh38, 1-based): chr7:91,995,644, C>G. VCF-style: chr7-91995644-C-G. GRCh37 (hg19) VCF-style: chr7-91624958-C-G.
Other names: c.774C>G, p.Ser258Arg (NM_147185.3); short protein forms S258R.
Identifiers: ClinVar variation 3516792 (VCV003516792.1).